The following is an entry in ClinVar:

ClinVar aggregate classification (germline): Uncertain significance. Review status: reviewed by expert panel (3 of 4 stars). 2 submissions from 2 submitters: Uncertain significance (1). 1 of the submissions does not count toward it. Last evaluated 2025-01-13.

Conditions:
Mitochondrial disease. Also called: Mitochondrial disorder; Mitochondrial disorders. Identifiers: Orphanet 68380, MedGen C0751651, MeSH D028361, MONDO:0044970.
MELAS syndrome (MELAS). Also called: Juvenile myopathy, encephalopathy, lactic acidosis, stroke. Identifiers: Orphanet 550, MedGen C0162671, MONDO:0010789, OMIM 540000.

Submissions (2):

ClinGen Mitochondrial Disease Nuclear and Mitochondrial  Variant Curation Expert Panel, ClinGen
Classification: Uncertain significance for Mitochondrial disease. Last evaluated: 2025-01-13. Review status: reviewed by expert panel. Criteria: clingen mito disease acmg specifications v1-1. Collection method: curation. Allele origin: germline. Inheritance: Mitochondrial inheritance.
Comment: The m.12148T>C variant in MT-TH has been reported in two unrelated individuals with primary mitochondrial disease (PS4_supporting: PMIDs: 23463613, 37961166). The first case was a child with developmental delay, optic atrophy, cataracts, hearing loss, and myopathy. The variant was reported to be heteroplasmic in blood but the level was not provided (PMID: 23463613). The variant was undetectable in the proband’s mother’s blood by Sanger sequencing however this technology cannot detect low heteroplasmy levels precluding consideration for a de novo occurrence. The second case had cataracts, retinal dystrophy, hearing loss, cognitive decline, movement disorder, ataxia, and renal involvement. The variant was present at 94% in muscle, 68% in urine, and 35% in blood. Deficiencies of mitochondrial respiratory chain enzyme complexes I and IV were noted in fibroblasts (PP4; PMID: 37961166). The variant was also present in the less severely affected mother with cataracts, hearing loss, and cognitive decline at 10% in urine, 1% in fibroblasts, and 5% in blood. The variant was undetectable in a healthy sibling (PP1; PMID: 37961166). A third case was reported in a cohort study however clinical details were not provided (PMID: 31965079). There is one occurrence of this variant in the MITOMAP GenBank sequences and this variant is absent in the Helix dataset and in gnomAD v3.1.2 (PM2_supporting). In silico predictors are conflicting as the computational predictor MitoTIP suggests this variant is pathogenic (74.7 percentile) but HmtVAR predicts it to be neutral with a score of 0.15. There are no cybrids, single fiber studies, or other functional assays reported on this variant. In summary, this variant meets criteria to be classified as uncertain significance for primary mitochondrial disease inherited in a mitochondrial manner. This classification was approved by the NICHD/NINDS U24 ClinGen Mitochondrial Disease Variant Curation Expert Panel on January 13, 2025. Mitochondrial DNA-specific ACMG/AMP criteria applied (PMID: 32906214): PS4_supporting, PP4, PP1, PM2_supporting.

Wong Mito Lab, Molecular and Human Genetics, Baylor College of Medicine
Classification: Likely pathogenic for MELAS syndrome. Last evaluated: 2019-07-12. Review status: criteria provided, single submitter. Criteria: Modified ACMG Guidelines (Unpublished). Collection method: clinical testing. Allele origin: germline. Not counted in ClinVar's aggregate classification.
Comment: The NC_012920.1:m.12148T>C variant in MT-TH gene is interpreted to be a Unknown Significance variant based on the modified ACMG guidelines (unpublished). This variant meets the following evidence codes reported in the guidelines: PM7, PM9, PP4, PP6

Literature cited by the submitters: PubMed 31965079 (cited by Wong Mito Lab, Molecular and Human Genetics, Baylor College of Medicine).

NC_012920.1(MT-TH):m.12148T>C

Gene: MT-TH (mitochondrially encoded tRNA histidine; plus strand).
Variant type: single nucleotide variant.
Genome position: chrM-12148-T-C.
Identifiers: ClinVar variation 690133 (VCV000690133.1), dbSNP rs1603223571, ClinGen allele CA913169498.